The following is an entry in ClinVar:

ClinVar aggregate classification (germline): Uncertain significance (1 of 4 stars; one submission).

gnomAD v4.1: 4 of 1,602,994 alleles (0.00025%); highest among the groups gnomAD compares: African/African-American, 0.0013%; no homozygotes.

Submission:

Labcorp Genetics (formerly Invitae), Labcorp
Classification: Uncertain significance. Last evaluated: 2025-09-09. Review status: criteria provided, single submitter. Criteria: Invitae Variant Classification Sherloc (09022015). Collection method: clinical testing. Allele origin: germline.
Comment: This sequence change falls in intron 1 of the NCSTN gene. It does not directly change the encoded amino acid sequence of the NCSTN protein. It affects a nucleotide within the consensus splice site. This variant is not present in population databases (gnomAD no frequency). This variant has not been reported in the literature in individuals affected with NCSTN-related conditions. Variants that disrupt the consensus splice site are a relatively common cause of aberrant splicing (PMID: 17576681, 9536098). Algorithms developed to predict the effect of sequence changes on RNA splicing suggest that this variant is not likely to affect RNA splicing. In summary, the available evidence is currently insufficient to determine the role of this variant in disease. Therefore, it has been classified as a Variant of Uncertain Significance.

Literature cited by the submitters: PubMed 17576681; PubMed 9536098.

NM_015331.3(NCSTN):c.85+6G>A

Gene: NCSTN (nicastrin; plus strand). Cytogenetic location: 1q23.2.
Variant type: single nucleotide variant.
Coding change: c.85+6G>A on transcript NM_015331.3 (MANE Select); 6 bases into the intron after coding-DNA position 85, G replaced by A.
Molecular consequence: intron variant.
Genome position (GRCh38, 1-based): chr1:160,343,487, G>A. VCF-style: chr1-160343487-G-A. GRCh37 (hg19) VCF-style: chr1-160313277-G-A.
Other names: c.-115+6G>A (NM_001290184.2); c.85+6G>A (NM_001349729.2, NM_001290186.2).
Identifiers: ClinVar variation 4708646 (VCV004708646.1).